The following is an entry in ClinVar:

NM_004304.5(ALK):c.1031A>G (p.His344Arg)

Gene: ALK (ALK receptor tyrosine kinase; minus strand). Cytogenetic location: 2p23.2.
Variant type: single nucleotide variant.
Coding change: c.1031A>G on transcript NM_004304.5 (MANE Select); coding-DNA position 1031, A replaced by G.
Protein change: p.His344Arg; replaces histidine 344 with arginine.
Molecular consequence: missense variant.
Genome position (GRCh38, 1-based): chr2:29,532,038, T>C on the plus strand (A>G on the coding strand, the complement: ALK is on the minus strand). VCF-style: chr2-29532038-T-C. GRCh37 (hg19) VCF-style: chr2-29754904-T-C.
Other names: c.1031A>G (NM_004304.4); short protein forms H344R.
Identifiers: ClinVar variation 2128274 (VCV002128274.5), dbSNP rs147640694, ClinGen allele CA346587417.
Genomic context (GRCh38, chr2:29,532,038, plus strand): 5'-TGGGCAATGTACCTTCCAGAGGGCTGCAGGTGCCTGTGCACCGAGACGGCCAGTGTGCAG[T>C]GCTCACTGCTGCTCCTCATCCACGGACTCAGGATGGTGTGCTTGGAGTCAGCTGAGGTGT-3'
Protein context (NP_004295.2, residues 334-354): LSPWMRSSSE[His344Arg]CTLAVSVHRH

ClinVar aggregate classification (germline): Uncertain significance. Review status: criteria provided, multiple submitters, no conflicts (2 of 4 stars). 2 submissions from 2 submitters: Uncertain significance (2). Last evaluated 2025-11-09.

Conditions:
Neuroblastoma, susceptibility to, 3. Also called: ALK-Related Neuroblastic Tumor Susceptibility. Identifiers: Orphanet 635, MedGen C2751681, MONDO:0013083, OMIM 613014.
Hereditary cancer-predisposing syndrome. Also called: Hereditary Cancer Syndrome; Neoplastic Syndromes, Hereditary; Hereditary neoplastic syndrome; Tumor predisposition. Identifiers: Orphanet 140162, MedGen C0027672, MeSH D009386, MONDO:0015356.

Submissions (2):

Labcorp Genetics (formerly Invitae), Labcorp
Classification: Uncertain significance for Neuroblastoma, susceptibility to, 3. Last evaluated: 2025-11-09. Review status: criteria provided, single submitter. Criteria: Invitae Variant Classification Sherloc (09022015). Collection method: clinical testing. Allele origin: germline.
Comment: This sequence change replaces histidine, which is basic and polar, with arginine, which is basic and polar, at codon 344 of the ALK protein (p.His344Arg). This variant is not present in population databases (gnomAD no frequency). This variant has not been reported in the literature in individuals affected with ALK-related conditions. ClinVar contains an entry for this variant (Variation ID: 2128274). An algorithm developed to predict the effect of missense changes on protein structure and function (PolyPhen-2) suggests that this variant is likely to be tolerated. In summary, the available evidence is currently insufficient to determine the role of this variant in disease. Therefore, it has been classified as a Variant of Uncertain Significance.

Ambry Genetics
Classification: Uncertain significance for Hereditary cancer-predisposing syndrome. Last evaluated: 2024-04-09. Review status: criteria provided, single submitter. Criteria: Ambry Variant Classification Scheme 2023. Collection method: clinical testing. Allele origin: germline.
Comment: The p.H344R variant (also known as c.1031A>G), located in coding exon 4 of the ALK gene, results from an A to G substitution at nucleotide position 1031. The histidine at codon 344 is replaced by arginine, an amino acid with highly similar properties. This amino acid position is conserved. In addition, this alteration is predicted to be tolerated by in silico analysis. Based on the available evidence, the clinical significance of this variant remains unclear.